The following is an entry in ClinVar:

NM_004859.4(CLTC):c.791T>A (p.Met264Lys)

Gene: CLTC (clathrin heavy chain; plus strand). Cytogenetic location: 17q23.1.
Variant type: single nucleotide variant.
Coding change: c.791T>A on transcript NM_004859.4 (MANE Select); coding-DNA position 791, T replaced by A.
Protein change: p.Met264Lys; replaces methionine 264 with lysine.
Molecular consequence: missense variant.
Genome position (GRCh38, 1-based): chr17:59,651,312, T>A. VCF-style: chr17-59651312-T-A. GRCh37 (hg19) VCF-style: chr17-57728673-T-A.
Other names: c.803T>A, p.Met268Lys (NM_001288653.2); short protein forms M264K, M268K.
Identifiers: ClinVar variation 3372049 (VCV003372049.1).

ClinVar aggregate classification (germline): Uncertain significance (1 of 4 stars; one submission).

Submission:

GeneDx
Classification: Uncertain significance. Last evaluated: 2024-04-03. Review status: criteria provided, single submitter. Criteria: GeneDx Variant Classification Process June 2021. Collection method: clinical testing. Allele origin: germline. Affected: yes.
Comment: Not observed at significant frequency in large population cohorts (gnomAD); In silico analysis supports that this missense variant has a deleterious effect on protein structure/function; Has not been previously published as pathogenic or benign to our knowledge